The following is an entry in ClinVar:

NM_024757.5(EHMT1):c.756dup (p.Phe253fs)

Gene: EHMT1 (euchromatic histone lysine methyltransferase 1; plus strand). Cytogenetic location: 9q34.3.
Variant type: Duplication.
Coding change: c.756dup on transcript NM_024757.5 (MANE Select); coding-DNA position 756, one base duplicated (C; older notation c.756dupC).
Protein change: p.Phe253fs; shifts the reading frame from phenylalanine 253.
Molecular consequence: frameshift variant.
Genome position (GRCh38, 1-based): chr9:137,728,462, C duplicated; the last of 6 consecutive C bases (chr9:137,728,457-137,728,462); duplicating any one gives the same sequence. VCF-style (leftmost placement, unchanged base first): chr9-137728456-A-AC. GRCh37 (hg19) VCF-style: chr9-140622908-A-AC.
Other names: c.756dup, p.Phe253fs (NM_001145527.2, NM_001354263.2, NM_001354611.2); c.663dup, p.Phe222fs (NM_001354259.2, NM_001354612.2); c.756dupC (NM_024757.4); short protein forms F222fs, F253fs.
Identifiers: ClinVar variation 504217 (VCV000504217.6), dbSNP rs1554852664, ClinGen allele CA658797390.

ClinVar aggregate classification (germline): Pathogenic/Likely pathogenic. Review status: criteria provided, multiple submitters, no conflicts (2 of 4 stars). 3 submissions from 3 submitters: Pathogenic (2); Likely pathogenic (1). Last evaluated 2024-10-29.

Conditions:
Kleefstra syndrome 1 (KLEFS1). Identifiers: Orphanet 261494, MedGen C0795833, MONDO:0027407, OMIM 610253.

Submissions (3):

Institute of Human Genetics, University of Leipzig Medical Center
Classification: Pathogenic for Kleefstra syndrome 1. Last evaluated: 2024-10-29. Review status: criteria provided, single submitter. Criteria: ACMG Guidelines, 2015. Collection method: clinical testing. Allele origin: de novo. Inheritance: Autosomal dominant inheritance. Affected: yes.
Comment: Criteria applied: PVS1,PS2_MOD,PS4_MOD,PM2

Baylor Genetics
Classification: Likely pathogenic for Kleefstra syndrome 1. Last evaluated: 2023-01-09. Review status: criteria provided, single submitter. Criteria: ACMG Guidelines, 2015. Collection method: clinical testing. Allele origin: unknown.

GeneDx
Classification: Pathogenic. Last evaluated: 2018-02-01. Review status: criteria provided, single submitter. Criteria: GeneDx Variant Classification (06012015). Collection method: clinical testing. Allele origin: germline. Affected: yes.
Comment: The c.756dupC variant in the EHMT1 gene has not been reported previously as a pathogenic variant nor as a benign variant, to our knowledge. The c.756dupC variant causes a frameshift starting with codon Phenylalanine 253, changes this amino acid to a Leucine residue, and creates a premature Stop codon at position 45 of the new reading frame, denoted p.Phe253LeufsX45. This variant is predicted to cause loss of normal protein function either through protein truncation or nonsense-mediated mRNA decay. The c.756dupC variant is not observed in large population cohorts (Lek et al., 2016).